The following is an entry in ClinVar:

ClinVar aggregate classification (germline): Pathogenic (1 of 4 stars; one submission).

Conditions:
Osteogenesis imperfecta type I (OI1). Also called: Lobstein disease; Classic Non-deforming Osteogenesis Imperfecta with Blue Sclerae; OI, TYPE I; OSTEOGENESIS IMPERFECTA TARDA; OSTEOGENESIS IMPERFECTA WITH BLUE SCLERAE; Osteogenesis imperfecta type 1. Identifiers: Orphanet 216796, Orphanet 666, MedGen C0023931, MONDO:0008146, OMIM 166200. Disease mechanism: loss of function.

Submission:

Labcorp Genetics (formerly Invitae), Labcorp
Classification: Pathogenic for Osteogenesis imperfecta type I. Last evaluated: 2021-08-28. Review status: criteria provided, single submitter. Criteria: Invitae Variant Classification Sherloc (09022015). Collection method: clinical testing. Allele origin: germline.
Comment: This sequence change creates a premature translational stop signal (p.Pro622Leufs*144) in the COL1A1 gene. It is expected to result in an absent or disrupted protein product. Loss-of-function variants in COL1A1 are known to be pathogenic (PMID: 7942841, 9295084, 9443882). For these reasons, this variant has been classified as Pathogenic. This variant has not been reported in the literature in individuals affected with COL1A1-related conditions. This variant is not present in population databases (ExAC no frequency).

Literature cited by the submitters: PubMed 7942841; PubMed 9295084; PubMed 9443882.

NM_000088.4(COL1A1):c.1860del (p.Pro622fs)

Gene: COL1A1 (collagen type I alpha 1 chain; minus strand). Cytogenetic location: 17q21.33.
Variant type: Deletion.
Coding change: c.1860del on transcript NM_000088.4 (MANE Select); coding-DNA position 1860, one base deleted (A; older notation c.1860delA).
Protein change: p.Pro622fs; shifts the reading frame from proline 622.
Molecular consequence: frameshift variant.
Genome position (GRCh38, 1-based): chr17:50,192,812, T deleted on the plus strand (A on the coding strand, the reverse complement: COL1A1 is on the minus strand). VCF-style (leftmost placement, unchanged base first): chr17-50192811-GT-G. GRCh37 (hg19) VCF-style: chr17-48270172-GT-G.
Other names: short protein forms P622fs.
Identifiers: ClinVar variation 1407997 (VCV001407997.6), dbSNP rs2144564549, ClinGen allele CA2573154259.